The following is an entry in ClinVar:

ClinVar aggregate classification (germline): Uncertain significance (1 of 4 stars; one submission).

Conditions:
RYR1-related disorder. Also called: RYR1-related condition; RYR1-related disorders. Identifiers: MedGen CN239331.

Submission:

Labcorp Genetics (formerly Invitae), Labcorp
Classification: Uncertain significance for RYR1-related disorder. Last evaluated: 2022-07-19. Review status: criteria provided, single submitter. Criteria: Invitae Variant Classification Sherloc (09022015). Collection method: clinical testing. Allele origin: germline.
Comment: This sequence change replaces valine, which is neutral and non-polar, with methionine, which is neutral and non-polar, at codon 3438 of the RYR1 protein (p.Val3438Met). This variant is not present in population databases (gnomAD no frequency). This variant has not been reported in the literature in individuals affected with RYR1-related conditions. Advanced modeling of protein sequence and biophysical properties (such as structural, functional, and spatial information, amino acid conservation, physicochemical variation, residue mobility, and thermodynamic stability) performed at Invitae indicates that this missense variant is not expected to disrupt RYR1 protein function. In summary, the available evidence is currently insufficient to determine the role of this variant in disease. Therefore, it has been classified as a Variant of Uncertain Significance.

NM_000540.3(RYR1):c.10312G>A (p.Val3438Met)

Gene: RYR1 (ryanodine receptor 1; plus strand). Cytogenetic location: 19q13.2.
Variant type: single nucleotide variant.
Coding change: c.10312G>A on transcript NM_000540.3 (MANE Select); coding-DNA position 10312, G replaced by A.
Protein change: p.Val3438Met; replaces valine 3438 with methionine.
Molecular consequence: missense variant.
Genome position (GRCh38, 1-based): chr19:38,523,080, G>A. VCF-style: chr19-38523080-G-A. GRCh37 (hg19) VCF-style: chr19-39013720-G-A.
Other names: c.10312G>A, p.Val3438Met (NM_001042723.2); short protein forms V3438M.
Identifiers: ClinVar variation 1926784 (VCV001926784.2), dbSNP rs2514462596, ClinGen allele CA405698826.